The following is an entry in ClinVar:

NM_030928.4(CDT1):c.1377C>T (p.Arg459=)

Gene: CDT1 (chromatin licensing and DNA replication factor 1; plus strand). Cytogenetic location: 16q24.3.
Variant type: single nucleotide variant.
Coding change: c.1377C>T on transcript NM_030928.4 (MANE Select); coding-DNA position 1377, C replaced by T.
Protein change: p.Arg459=; no amino-acid change (arginine 459 retained).
Molecular consequence: synonymous variant.
Genome position (GRCh38, 1-based): chr16:88,807,382, C>T. VCF-style: chr16-88807382-C-T. GRCh37 (hg19) VCF-style: chr16-88873790-C-T.
Identifiers: ClinVar variation 128669 (VCV000128669.19), dbSNP rs3218730, ClinGen allele CA152258.
Genomic context (GRCh38, chr16:88,807,382, plus strand): 5'-GCGGTGCCCGGAGCAGGAGCAGCGGCTGCAGCGCTTAGAACGGCTGCCTGAGCTGGCCCG[C>T]GTGCTGCGGAGCGTCTTTGTGTCCGAACGCAAGCCTGCGCTCAGCATGGAGGTGGCCTGT-3'
Protein context (NP_112190.2, residues 449-469): QRLERLPELA[Arg459=]VLRSVFVSER

ClinVar aggregate classification (germline): Benign. Review status: criteria provided, multiple submitters, no conflicts (2 of 4 stars). 5 submissions from 5 submitters: Benign (4). 1 of the submissions does not count toward it. Last evaluated 2026-02-04.

Allele frequency attached by ClinVar (database versions not stated): 1000 Genomes Project 30x 0.05372; 1000 Genomes Project 0.05391; TOPMed 0.05453; ESP Exome Variant Server 0.05945.
gnomAD v4.1: 87,926 of 1,612,690 alleles (5.5%); highest among the groups gnomAD compares: Middle Eastern, 11%; 2,834 homozygotes.

Submissions (5):

Labcorp Genetics (formerly Invitae), Labcorp
Classification: Benign. Last evaluated: 2026-02-04. Review status: criteria provided, single submitter. Criteria: Invitae Variant Classification Sherloc (09022015). Collection method: clinical testing. Allele origin: germline.

GeneDx
Classification: Benign. Last evaluated: 2018-07-09. Review status: criteria provided, single submitter. Criteria: GeneDx Variant Classification Process June 2021. Collection method: clinical testing. Allele origin: germline. Affected: yes.

Breakthrough Genomics
Classification: Benign. Review status: criteria provided, single submitter. Criteria: ACMG Guidelines, 2015. Collection method: not provided. Allele origin: germline. Inheritance: Autosomal recessive inheritance. Affected: yes.

PreventionGenetics, part of Exact Sciences
Classification: Benign. Review status: criteria provided, single submitter. Criteria: ACMG Guidelines, 2015. Collection method: clinical testing. Allele origin: germline.

Genetic Services Laboratory, University of Chicago
Classification: Likely benign for AllHighlyPenetrant. Review status: no assertion criteria provided. Collection method: clinical testing. Allele origin: germline. Inheritance: Autosomal recessive inheritance. Not counted in ClinVar's aggregate classification.
Comment: Likely benign based on allele frequency in 1000 Genomes Project or ESP global frequency and its presence in a patient with a rare or unrelated disease phenotype. NOT Sanger confirmed.